The following is an entry in ClinVar:

ClinVar aggregate classification (germline): Uncertain significance. Review status: criteria provided, multiple submitters, no conflicts (2 of 4 stars). 3 submissions from 3 submitters: Uncertain significance (3). Last evaluated 2025-03-31.

Conditions:
Inborn genetic diseases. Identifiers: MedGen C0950123, MeSH D030342.
Fanconi anemia (FA). Also called: Fanconi's anemia. Identifiers: Orphanet 84, MedGen C0015625, MeSH D005199, MONDO:0019391.
Fanconi anemia complementation group A (FANCA). Also called: Fanconi anemia, group A; FANCA-Related Fanconi Anemia. Identifiers: Orphanet 84, MedGen C3469521, MONDO:0009215, OMIM 227650.

gnomAD v4.1: 3 of 1,613,774 alleles (0.00019%); highest among the groups gnomAD compares: Admixed American, 0.0017%; no homozygotes.

Submissions (3):

Labcorp Genetics (formerly Invitae), Labcorp
Classification: Uncertain significance for Fanconi anemia. Last evaluated: 2025-03-31. Review status: criteria provided, single submitter. Criteria: Invitae Variant Classification Sherloc (09022015). Collection method: clinical testing. Allele origin: germline.
Comment: This sequence change replaces arginine, which is basic and polar, with leucine, which is neutral and non-polar, at codon 1084 of the FANCA protein (p.Arg1084Leu). This variant is not present in population databases (gnomAD no frequency). This variant has not been reported in the literature in individuals affected with FANCA-related conditions. ClinVar contains an entry for this variant (Variation ID: 1057735). Invitae Evidence Modeling of protein sequence and biophysical properties (such as structural, functional, and spatial information, amino acid conservation, physicochemical variation, residue mobility, and thermodynamic stability) indicates that this missense variant is not expected to disrupt FANCA protein function with a negative predictive value of 95%. In summary, the available evidence is currently insufficient to determine the role of this variant in disease. Therefore, it has been classified as a Variant of Uncertain Significance.

Ambry Genetics
Classification: Uncertain significance for Inborn genetic diseases. Last evaluated: 2025-01-05. Review status: criteria provided, single submitter. Criteria: Ambry Variant Classification Scheme 2023. Collection method: clinical testing. Allele origin: germline.
Comment: The p.R1084L variant (also known as c.3251G>T), located in coding exon 33 of the FANCA gene, results from a G to T substitution at nucleotide position 3251. The arginine at codon 1084 is replaced by leucine, an amino acid with dissimilar properties. This amino acid position is conserved. In addition, this alteration is predicted to be tolerated by in silico analysis. Based on the available evidence, the clinical significance of this variant remains unclear.

Fulgent Genetics
Classification: Uncertain significance for Fanconi anemia complementation group A. Last evaluated: 2024-05-20. Review status: criteria provided, single submitter. Criteria: ACMG Guidelines, 2015. Collection method: clinical testing. Allele origin: germline.

NM_000135.4(FANCA):c.3251G>T (p.Arg1084Leu)

Gene: FANCA (FA complementation group A; minus strand). Cytogenetic location: 16q24.3.
Variant type: single nucleotide variant.
Coding change: c.3251G>T on transcript NM_000135.4 (MANE Select); coding-DNA position 3251, G replaced by T.
Protein change: p.Arg1084Leu; replaces arginine 1084 with leucine.
Molecular consequence: missense variant.
Genome position (GRCh38, 1-based): chr16:89,748,756, C>A on the plus strand (G>T on the coding strand, the complement: FANCA is on the minus strand). VCF-style: chr16-89748756-C-A. GRCh37 (hg19) VCF-style: chr16-89815164-C-A.
Other names: c.3251G>T (NM_000135.2); c.3251G>T, p.Arg1084Leu (NM_001286167.3); short protein forms R1084L.
Identifiers: ClinVar variation 1057735 (VCV001057735.9), dbSNP rs752642945, ClinGen allele CA286625367.